The following is an entry in ClinVar:

NM_000444.6(PHEX):c.598A>G (p.Asn200Asp)

Gene: PHEX (phosphate regulating endopeptidase X-linked; plus strand). Cytogenetic location: Xp22.11.
Variant type: single nucleotide variant.
Coding change: c.598A>G on transcript NM_000444.6 (MANE Select); coding-DNA position 598, A replaced by G.
Protein change: p.Asn200Asp; replaces asparagine 200 with aspartic acid.
Molecular consequence: missense variant.
Genome position (GRCh38, 1-based): chrX:22,077,637, A>G. VCF-style: chrX-22077637-A-G. GRCh37 (hg19) VCF-style: chrX-22095755-A-G.
Other names: c.598A>G, p.Asn200Asp (NM_001282754.2); short protein forms N200D.
Identifiers: ClinVar variation 516930 (VCV000516930.5), dbSNP rs1293482406, ClinGen allele CA412571571.
Genomic context (GRCh38, chrX:22,077,637, plus strand): 5'-TGGTCAGAGAGAAAGTTCAGCCTTCTGCAGACACTTGCAACGTTTCGTGGTCAATACAGC[A>G]ATTCTGTGTTCATCCGTTTGTATGTGTCCCCTGATGACAAAGCATCCAATGAACATATCT-3'
Protein context (NP_000435.3, residues 190-210): TLATFRGQYS[Asn200Asp]SVFIRLYVSP

ClinVar aggregate classification (germline): Conflicting classifications of pathogenicity. Review status: criteria provided, conflicting classifications (1 of 4 stars). 4 submissions from 4 submitters: Uncertain significance (3); Likely benign (1). Last evaluated 2025-01-06.

Conditions:
Inborn genetic diseases. Identifiers: MedGen C0950123, MeSH D030342.

Allele frequency attached by ClinVar (database versions not stated): TOPMed below 0.00001; gnomAD exomes 0.00001 and 0.00002; gnomAD 0.00003.
gnomAD v4.1: 24 of 1,209,215 alleles (0.002%); highest among the groups gnomAD compares: Non-Finnish European, 0.0027%; no homozygotes.

Submissions (4):

Labcorp Genetics (formerly Invitae), Labcorp
Classification: Uncertain significance. Last evaluated: 2025-01-06. Review status: criteria provided, single submitter. Criteria: Invitae Variant Classification Sherloc (09022015). Collection method: clinical testing. Allele origin: germline.
Comment: This sequence change replaces asparagine, which is neutral and polar, with aspartic acid, which is acidic and polar, at codon 200 of the PHEX protein (p.Asn200Asp). This variant is present in population databases (no rsID available, gnomAD 0.004%), including at least one homozygous and/or hemizygous individual. This variant has not been reported in the literature in individuals affected with PHEX-related conditions. ClinVar contains an entry for this variant (Variation ID: 516930). Invitae Evidence Modeling of protein sequence and biophysical properties (such as structural, functional, and spatial information, amino acid conservation, physicochemical variation, residue mobility, and thermodynamic stability) has been performed for this missense variant. However, the output from this modeling did not meet the statistical confidence thresholds required to predict the impact of this variant on PHEX protein function. In summary, the available evidence is currently insufficient to determine the role of this variant in disease. Therefore, it has been classified as a Variant of Uncertain Significance.

Ambry Genetics
Classification: Uncertain significance for Inborn genetic diseases. Last evaluated: 2023-12-01. Review status: criteria provided, single submitter. Criteria: Ambry Variant Classification Scheme 2023. Collection method: clinical testing. Allele origin: germline.

Women's Health and Genetics/Laboratory Corporation of America, LabCorp
Classification: Uncertain significance. Last evaluated: 2023-10-17. Review status: criteria provided, single submitter. Criteria: LabCorp Variant Classification Summary - May 2015. Collection method: clinical testing. Allele origin: germline.
Comment: Variant summary: PHEX c.598A>G (p.Asn200Asp) results in a conservative amino acid change located in the Peptidase M13, C-terminal domain (IPR018497) of the encoded protein sequence. Four of five in-silico tools predict a benign effect of the variant on protein function. The variant allele was found at a frequency of 1.1e-05 in 183358 control chromosomes. The available data on variant occurrences in the general population are insufficient to allow any conclusion about variant significance. To our knowledge, no occurrence of c.598A>G in individuals affected with X-Linked Hypophosphatemic Rickets and no experimental evidence demonstrating its impact on protein function have been reported. One submitter has cited clinical-significance assessments for this variant to ClinVar after 2014 and has classified the variant as likely benign. Based on the evidence outlined above, the variant was classified as uncertain significance.

GeneDx
Classification: Likely benign. Last evaluated: 2018-01-30. Review status: criteria provided, single submitter. Criteria: GeneDx Variant Classification (06012015). Collection method: clinical testing. Allele origin: germline. Affected: yes.
Comment: This variant is considered likely benign or benign based on one or more of the following criteria: it is a conservative change, it occurs at a poorly conserved position in the protein, it is predicted to be benign by multiple in silico algorithms, and/or has population frequency not consistent with disease.